The following is an entry in ClinVar:

ClinVar aggregate classification (germline): Uncertain significance (1 of 4 stars; one submission).

Conditions:
Rhabdoid tumor predisposition syndrome 2 (RTPS2). Identifiers: Orphanet 231108, Orphanet 69077, MedGen C2750074, MONDO:0013224, OMIM 613325.

Allele frequency attached by ClinVar (database versions not stated): gnomAD 0.00001; TOPMed below 0.00001.
gnomAD v4.1: 2 of 1,612,648 alleles (0.00012%); highest among the groups gnomAD compares: East Asian, 0.0022%; no homozygotes.

Submission:

Labcorp Genetics (formerly Invitae), Labcorp
Classification: Uncertain significance for Rhabdoid tumor predisposition syndrome 2. Last evaluated: 2017-11-23. Review status: criteria provided, single submitter. Criteria: Invitae Variant Classification Sherloc (09022015). Collection method: clinical testing. Allele origin: germline.
Comment: Algorithms developed to predict the effect of missense changes on protein structure and function (SIFT, PolyPhen-2, Align-GVGD) all suggest that this variant is likely to be tolerated, but these predictions have not been confirmed by published functional studies and their clinical significance is uncertain. In summary, the available evidence is currently insufficient to determine the role of this variant in disease. Therefore, it has been classified as a Variant of Uncertain Significance. This variant has not been reported in the literature in individuals with SMARCA4-related disease. This sequence change replaces valine with isoleucine at codon 845 of the SMARCA4 protein (p.Val845Ile). The valine residue is highly conserved and there is a small physicochemical difference between valine and isoleucine. This variant is not present in population databases (ExAC no frequency).

NM_003072.5(SMARCA4):c.2533G>A (p.Val845Ile)

Gene: SMARCA4 (SWI/SNF related BAF chromatin remodeling complex subunit ATPase 4; plus strand). Cytogenetic location: 19p13.2.
Variant type: single nucleotide variant.
Coding change: c.2533G>A on transcript NM_003072.5 (MANE Select); coding-DNA position 2533, G replaced by A.
Protein change: p.Val845Ile; replaces valine 845 with isoleucine.
Molecular consequence: missense variant. On other transcripts: non-coding transcript variant (1).
Genome position (GRCh38, 1-based): chr19:11,019,618, G>A. VCF-style: chr19-11019618-G-A. GRCh37 (hg19) VCF-style: chr19-11130294-G-A.
Other names: c.2533G>A, p.Val845Ile (NM_001128844.3, NM_001128845.2, NM_001128846.2 and 5 more transcripts); short protein forms V845I.
Identifiers: ClinVar variation 537823 (VCV000537823.8), dbSNP rs878854210, ClinGen allele CA404054359.
Genomic context (GRCh38, chr19:11,019,618, plus strand): 5'-AAAGCCGAGCTGTGCATCCTGCTTCCCTTGCAGGGATCCCCAGCAGCAAGACGGGCCTTT[G>A]TCCCCCAGCTCCGGAGTGGGAAGTTCAACGTCTTGCTGACGACGTACGAGTACATCATCA-3'
Protein context (NP_003063.2, residues 835-855): KGSPAARRAF[Val845Ile]PQLRSGKFNV